The following is an entry in ClinVar:

ClinVar aggregate classification (germline): Likely benign (1 of 4 stars; one submission).

Allele frequency attached by ClinVar (database versions not stated): TOPMed 0.00007; ESP Exome Variant Server 0.00008; ExAC 0.00020.
gnomAD v4.1: 103 of 1,613,742 alleles (0.0064%); highest among the groups gnomAD compares: East Asian, 0.016%; no homozygotes.

Submission:

CeGaT Center for Human Genetics Tuebingen
Classification: Likely benign. Last evaluated: 2023-01-01. Review status: criteria provided, single submitter. Criteria: CeGaT Center For Human Genetics Tuebingen Variant Classification Criteria Version 2. Collection method: clinical testing. Allele origin: germline. Affected: yes. Observed: 1 variant allele.
Comment: CSMD1: BP4, BP7

NM_033225.6(CSMD1):c.3768G>A (p.Leu1256=)

Gene: CSMD1 (CUB and Sushi multiple domains 1; minus strand). Cytogenetic location: 8p23.2.
Variant type: single nucleotide variant.
Coding change: c.3768G>A on transcript NM_033225.6 (MANE Select); coding-DNA position 3768, G replaced by A.
Protein change: p.Leu1256=; no amino-acid change (leucine 1256 retained).
Molecular consequence: synonymous variant.
Genome position (GRCh38, 1-based): chr8:3,308,367, C>T on the plus strand (G>A on the coding strand, the complement: CSMD1 is on the minus strand). VCF-style: chr8-3308367-C-T. GRCh37 (hg19) VCF-style: chr8-3165889-C-T.
Identifiers: ClinVar variation 2658341 (VCV002658341.24), dbSNP rs371960024, ClinGen allele CA4607685.